The following is an entry in ClinVar:

NC_000007.13:g.(?_107204228)_(107204434_?)del

Genes: DUS4L (dihydrouridine synthase 4 like; plus strand), COG5 (component of oligomeric golgi complex 5; minus strand). Cytogenetic location: 7q22.3.
Variant type: Deletion.
Identifiers: ClinVar variation 1457841 (VCV001457841.5).

ClinVar aggregate classification (germline): Pathogenic (1 of 4 stars; one submission).

Conditions:
COG5-congenital disorder of glycosylation. Also called: COG5-CDG; CONGENITAL DISORDER OF GLYCOSYLATION, TYPE IIi; CDG IIi. Identifiers: Orphanet 263487, MedGen C3150876, MONDO:0013325, OMIM 613612.

Submission:

Labcorp Genetics (formerly Invitae), Labcorp
Classification: Pathogenic for COG5-congenital disorder of glycosylation. Last evaluated: 2022-06-14. Review status: criteria provided, single submitter. Criteria: Invitae Variant Classification Sherloc (09022015). Collection method: clinical testing. Allele origin: germline.
Comment: This variant is a gross deletion of the genomic region encompassing exon(s) 1 of the COG5 gene, which includes the initiator codon. This deletion extends beyond the assayed region for this gene and therefore may encompass additional genes. It is expected to result in an absent or disrupted protein product. Loss-of-function variants in COG5 are known to be pathogenic (PMID: 23228021). For these reasons, this variant has been classified as Pathogenic. This variant has not been reported in the literature in individuals affected with COG5-related conditions.

Literature cited by the submitters: PubMed 23228021.